The following is an entry in ClinVar:

ClinVar aggregate classification (germline): Likely benign. Review status: criteria provided, multiple submitters, no conflicts (2 of 4 stars). 2 submissions from 2 submitters: Likely benign (2). Last evaluated 2025-02-06.

Conditions:
Dilated cardiomyopathy 1G (CMD1G). Identifiers: Orphanet 154, MedGen C1858763, MONDO:0011400, OMIM 604145.
Autosomal recessive limb-girdle muscular dystrophy type 2J (LGMDR10). Also called: Limb-girdle muscular dystrophy, type 2J; MUSCULAR DYSTROPHY, LIMB-GIRDLE, AUTOSOMAL RECESSIVE 10. Identifiers: Orphanet 140922, MedGen C1837342, MONDO:0012127, OMIM 608807.

gnomAD v4.1: 1 of 1,611,124 alleles (0.000062%); highest among the groups gnomAD compares: Non-Finnish European, 0.000085%; no homozygotes.

Submissions (2):

Labcorp Genetics (formerly Invitae), Labcorp
Classification: Likely benign for Dilated cardiomyopathy 1G; Autosomal recessive limb-girdle muscular dystrophy type 2J. Last evaluated: 2025-02-06. Review status: criteria provided, single submitter. Criteria: Invitae Variant Classification Sherloc (09022015). Collection method: clinical testing. Allele origin: germline.

GeneDx
Classification: Likely benign. Last evaluated: 2017-02-27. Review status: criteria provided, single submitter. Criteria: GeneDx Variant Classification (06012015). Collection method: clinical testing. Allele origin: germline. Affected: yes.
Comment: This variant is considered likely benign or benign based on one or more of the following criteria: it is a conservative change, it occurs at a poorly conserved position in the protein, it is predicted to be benign by multiple in silico algorithms, and/or has population frequency not consistent with disease.

NM_001267550.2(TTN):c.20355G>C (p.Ser6785=)

Gene: TTN (titin; minus strand). Cytogenetic location: 2q31.2.
Variant type: single nucleotide variant.
Coding change: c.20355G>C on transcript NM_001267550.2 (MANE Select); coding-DNA position 20355, G replaced by C.
Protein change: p.Ser6785=; no amino-acid change (serine 6785 retained).
Molecular consequence: synonymous variant. On other transcripts: intron variant (3).
Genome position (GRCh38, 1-based): chr2:178,725,967, C>G on the plus strand (G>C on the coding strand, the complement: TTN is on the minus strand). VCF-style: chr2-178725967-C-G. GRCh37 (hg19) VCF-style: chr2-179590694-C-G.
Other names: c.19404G>C, p.Ser6468= (NM_001256850.1); c.16623G>C, p.Ser5541= (NM_133378.4); c.13282+12115G>C (NM_003319.4); c.13858+12115G>C (NM_133437.4); c.13657+12115G>C (NM_133432.3).
Identifiers: ClinVar variation 507708 (VCV000507708.2), dbSNP rs549470227, ClinGen allele CA430291749.